The following is an entry in ClinVar:

ClinVar aggregate classification (germline): Uncertain significance. Review status: criteria provided, multiple submitters, no conflicts (2 of 4 stars). 2 submissions from 2 submitters: Uncertain significance (2). Last evaluated 2025-10-14.

Allele frequency attached by ClinVar (database versions not stated): gnomAD exomes below 0.00001; gnomAD 0.00002; TOPMed 0.00002; ESP Exome Variant Server 0.00008; 1000 Genomes Project 30x 0.00016; 1000 Genomes Project 0.00020.
gnomAD v4.1: 8 of 1,614,092 alleles (0.0005%); highest among the groups gnomAD compares: African/African-American, 0.0067%; no homozygotes.

Submissions (2):

Labcorp Genetics (formerly Invitae), Labcorp
Classification: Uncertain significance. Last evaluated: 2025-10-14. Review status: criteria provided, single submitter. Criteria: Invitae Variant Classification Sherloc (09022015). Collection method: clinical testing. Allele origin: germline.
Comment: This sequence change replaces glycine, which is neutral and non-polar, with aspartic acid, which is acidic and polar, at codon 1282 of the ADGRA3 protein (p.Gly1282Asp). This variant is present in population databases (rs149299752, gnomAD 0.01%). This variant has not been reported in the literature in individuals affected with ADGRA3-related conditions. ClinVar contains an entry for this variant (Variation ID: 2419426). An algorithm developed to predict the effect of missense changes on protein structure and function (PolyPhen-2) suggests that this variant is likely to be disruptive. In summary, the available evidence is currently insufficient to determine the role of this variant in disease. Therefore, it has been classified as a Variant of Uncertain Significance.

Ambry Genetics
Classification: Uncertain significance. Last evaluated: 2024-11-28. Review status: criteria provided, single submitter. Criteria: Ambry Variant Classification Scheme 2023. Collection method: clinical testing. Allele origin: germline.

NM_145290.4(ADGRA3):c.3845G>A (p.Gly1282Asp)

Gene: ADGRA3 (adhesion G protein-coupled receptor A3; minus strand). Cytogenetic location: 4p15.2.
Variant type: single nucleotide variant.
Coding change: c.3845G>A on transcript NM_145290.4 (MANE Select); coding-DNA position 3845, G replaced by A.
Protein change: p.Gly1282Asp; replaces glycine 1282 with aspartic acid.
Molecular consequence: missense variant.
Genome position (GRCh38, 1-based): chr4:22,387,826, C>T on the plus strand (G>A on the coding strand, the complement: ADGRA3 is on the minus strand). VCF-style: chr4-22387826-C-T. GRCh37 (hg19) VCF-style: chr4-22389449-C-T.
Other names: c.3845G>A (NM_145290.2); short protein forms G1282D.
Identifiers: ClinVar variation 2419426 (VCV002419426.6), dbSNP rs149299752, ClinGen allele CA2873284.
Genomic context (GRCh38, chr4:22,387,826, plus strand): 5'-AGCAAGGGTCCCTCCTGCCCATTGCTTTTAATTGGTCCATTCTGAATGGCCAAGTTGAGG[C>T]CATAAGATTTTTGCTGATTTTCAAGTTCAACCACAGCTGGCTTCCTTAACGCATCTTTTT-3'
Protein context (NP_660333.2, residues 1272-1292): VELENQQKSY[Gly1282Asp]LNLAIQNGPI